The following is an entry in ClinVar:

ClinVar aggregate classification (germline): Likely benign. Review status: criteria provided, multiple submitters, no conflicts (2 of 4 stars). 9 submissions from 9 submitters: Likely benign (9). Last evaluated 2026-09-01.

Conditions:
Cardiovascular phenotype. Identifiers: MedGen CN230736.
Dilated cardiomyopathy 1BB (CMD1BB). Also called: CARDIOMYOPATHY, DILATED, 1BB, SUSCEPTIBILITY TO. Identifiers: Orphanet 154, MedGen C2752072, MONDO:0013030, OMIM 612877.
Arrhythmogenic right ventricular dysplasia 10. Also called: Arrhythmogenic Right Ventricular Dysplasia/Cardiomyopathy10; Arrhythmogenic right ventricular dysplasia/cardiomyopathy, type 10; ARRHYTHMOGENIC RIGHT VENTRICULAR DYSPLASIA, FAMILIAL, 10. Identifiers: MedGen C1857777, MONDO:0012434, OMIM 610193.
Arrhythmogenic right ventricular cardiomyopathy (ARVD). Also called: Cardiomyopathy, ARVC; Arrhythmogenic cardiomyopathy; Arrhythmogenic Right Ventricular Cardiomyopathy (ARVC); Arrhythmogenic right ventricular dysplasia. Identifiers: Orphanet 247, MedGen C0349788, MeSH D019571, MONDO:0016587. Disease mechanism: loss of function. Inheritance: Various modes of inheritance.
Cardiomyopathy (CMYO). Also called: Cardiomyopathies. Identifiers: Orphanet 167848, MedGen C0878544, MONDO:0004994, HP:0001638. Inheritance: Various modes of inheritance.

Allele frequency attached by ClinVar (database versions not stated): ExAC 0.00002; gnomAD exomes 0.00004; gnomAD 0.00005 and 0.00007; TOPMed 0.00011; 1000 Genomes Project 0.00020; 1000 Genomes Project 30x 0.00031.

Submissions (9):

CeGaT Center for Human Genetics Tuebingen
Classification: Likely benign. Last evaluated: 2026-09-01. Review status: criteria provided, single submitter. Criteria: CeGaT Center For Human Genetics Tuebingen Variant Classification Criteria Version 2. Collection method: clinical testing. Allele origin: germline. Affected: yes. Observed: 1 variant allele.
Comment: DSG2: BP4, BP7

Labcorp Genetics (formerly Invitae), Labcorp
Classification: Likely benign for Arrhythmogenic right ventricular dysplasia 10. Last evaluated: 2025-08-31. Review status: criteria provided, single submitter. Criteria: Invitae Variant Classification Sherloc (09022015). Collection method: clinical testing. Allele origin: germline.

Blueprint Genetics
Classification: Likely benign. Last evaluated: 2024-03-19. Review status: criteria provided, single submitter. Criteria: ACMG Guidelines, 2015. Collection method: clinical testing. Allele origin: germline.

All of Us Research Program, National Institutes of Health
Classification: Likely benign for Arrhythmogenic right ventricular cardiomyopathy. Last evaluated: 2023-12-13. Review status: criteria provided, single submitter. Criteria: ACMG Guidelines, 2015. Collection method: clinical testing. Allele origin: germline. Inheritance: Autosomal dominant inheritance. Observed: 10 variant alleles, 10 heterozygotes.
Comment: This study involves interpretation of variants in research participants for the purpose of population health screening. Participant phenotype was not available at the time of variant classification. Additional details can be found in publication PMID: 35346344, PMCID: PMC8962531

Women's Health and Genetics/Laboratory Corporation of America, LabCorp
Classification: Likely benign. Last evaluated: 2023-01-14. Review status: criteria provided, single submitter. Criteria: LabCorp Variant Classification Summary - May 2015. Collection method: clinical testing. Allele origin: germline.

Fulgent Genetics
Classification: Likely benign for Arrhythmogenic right ventricular dysplasia 10; Dilated cardiomyopathy 1BB. Last evaluated: 2021-08-15. Review status: criteria provided, single submitter. Criteria: ACMG Guidelines, 2015. Collection method: clinical testing. Allele origin: unknown.

Ambry Genetics
Classification: Likely benign for Cardiovascular phenotype. Last evaluated: 2019-11-19. Review status: criteria provided, single submitter. Criteria: Ambry Variant Classification Scheme 2023. Collection method: clinical testing. Allele origin: germline.

Color Diagnostics, LLC DBA Color Health
Classification: Likely benign for Cardiomyopathy. Last evaluated: 2019-03-22. Review status: criteria provided, single submitter. Criteria: ACMG Guidelines, 2015. Collection method: clinical testing. Allele origin: germline.

GeneDx
Classification: Likely benign. Last evaluated: 2018-06-12. Review status: criteria provided, single submitter. Criteria: GeneDx Variant Classification Process June 2021. Collection method: clinical testing. Allele origin: germline. Affected: yes.

NM_001943.5(DSG2):c.3195T>C (p.Thr1065=)

Genes: DSG2 (desmoglein 2; plus strand), DSG2-AS1 (DSG2 antisense RNA 1; minus strand). Cytogenetic location: 18q12.1.
Variant type: single nucleotide variant.
Coding change: c.3195T>C on transcript NM_001943.5 (MANE Select); coding-DNA position 3195, T replaced by C.
Protein change: p.Thr1065=; no amino-acid change (threonine 1065 retained).
Molecular consequence: synonymous variant.
Genome position (GRCh38, 1-based): chr18:31,546,581, T>C. VCF-style: chr18-31546581-T-C. GRCh37 (hg19) VCF-style: chr18-29126544-T-C.
Other names: c.3195T>C (LRG_397t1).
Identifiers: ClinVar variation 513777 (VCV000513777.59), dbSNP rs544981484, ClinGen allele CA048042.
Genomic context (GRCh38, chr18:31,546,581, plus strand): 5'-AGTGACAGAAAGAGTTCTAGCACCTGCTTCCACTCTGCAATCCAGTTACCAGATTCCCAC[T>C]GAAAATTCTATGACGGCTAGGAACACCACGGTGTCTGGAGCTGGAGTCCCTGGCCCTCTG-3'
Protein context (NP_001934.2, residues 1055-1075): STLQSSYQIP[Thr1065=]ENSMTARNTT